The following is an entry in ClinVar:

ClinVar aggregate classification (germline): Pathogenic/Likely pathogenic. Review status: criteria provided, multiple submitters, no conflicts (2 of 4 stars). 2 submissions from 2 submitters: Pathogenic (1); Likely pathogenic (1). Last evaluated 2026-03-13.

Conditions:
Mendelian susceptibility to mycobacterial diseases due to complete IL12RB1 deficiency. Also called: IL12RB1 DEFICIENCY; Immunodeficiency 30. Identifiers: Orphanet 319552, MedGen C4013949, MONDO:0013955, OMIM 614891.

gnomAD v4.1: 3 of 1,611,780 alleles (0.00019%); highest among the groups gnomAD compares: Non-Finnish European, 0.00017%; no homozygotes.

Submissions (2):

Dasa
Classification: Pathogenic. Last evaluated: 2026-03-13. Review status: criteria provided, single submitter. Criteria: DASA Assertion Criteria. Collection method: clinical testing. Allele origin: germline.
Comment: NM_005535.3(IL12RB1):c.21G>A (p.Trp7*) is a nonsense variant in IL12RB1 predicted to introduce a premature termination codon and is predicted to result in an absent or altered protein product. Loss of function is an established disease mechanism for IL12RB1-associated disorders. This variant has been reported in individuals with IL12RB1-related disorders (PMID: 28450854). Also, this variant is rare in population databases. Based on the currently available evidence, this variant is classified as pathogenic.

Laboratorio de Genetica e Diagnostico Molecular, Hospital Israelita Albert Einstein
Classification: Likely pathogenic for Mendelian susceptibility to mycobacterial diseases due to complete IL12RB1 deficiency. Last evaluated: 2025-12-31. Review status: criteria provided, single submitter. Criteria: ACMG Guidelines, 2015. Collection method: clinical testing. Allele origin: germline. Affected: yes.
Comment: ACMG classification criteria: PVS1 strong, PM2 supporting, PM3 moderate, PP1 supporting

Literature cited by the submitters: PubMed 28450854 (cited by Dasa).

NM_005535.3(IL12RB1):c.21G>A (p.Trp7Ter)

Gene: IL12RB1 (interleukin 12 receptor subunit beta 1; minus strand). Cytogenetic location: 19p13.11.
Variant type: single nucleotide variant.
Coding change: c.21G>A on transcript NM_005535.3 (MANE Select); coding-DNA position 21, G replaced by A.
Protein change: p.Trp7Ter; replaces tryptophan 7 with a stop codon.
Molecular consequence: nonsense.
Genome position (GRCh38, 1-based): chr19:18,086,803, C>T on the plus strand (G>A on the coding strand, the complement: IL12RB1 is on the minus strand). VCF-style: chr19-18086803-C-T. GRCh37 (hg19) VCF-style: chr19-18197613-C-T.
Other names: c.141G>A, p.Trp47Ter (NM_001290024.2, NM_001440426.1, NM_001440427.1); c.21G>A, p.Trp7Ter (NM_001440424.1, NM_001440425.1, NM_153701.3 and 1 more transcripts); short protein forms W47*, W7*.
Identifiers: ClinVar variation 4846818 (VCV004846818.3).